The following is an entry in ClinVar:

ClinVar aggregate classification (germline): Likely benign. Review status: criteria provided, multiple submitters, no conflicts (2 of 4 stars). 2 submissions from 2 submitters: Likely benign (2). Last evaluated 2025-09-03.

Allele frequency attached by ClinVar (database versions not stated): gnomAD exomes 0.00003; ExAC 0.00004; TOPMed 0.00006; gnomAD 0.00007; ESP Exome Variant Server 0.00008.
gnomAD v4.1: 57 of 1,614,086 alleles (0.0035%); highest among the groups gnomAD compares: Middle Eastern, 0.016%; no homozygotes.

Submissions (2):

Labcorp Genetics (formerly Invitae), Labcorp
Classification: Likely benign. Last evaluated: 2025-09-03. Review status: criteria provided, single submitter. Criteria: Invitae Variant Classification Sherloc (09022015). Collection method: clinical testing. Allele origin: germline.

CeGaT Center for Human Genetics Tuebingen
Classification: Likely benign. Last evaluated: 2022-03-01. Review status: criteria provided, single submitter. Criteria: CeGaT Center For Human Genetics Tuebingen Variant Classification Criteria Version 2. Collection method: clinical testing. Allele origin: germline. Affected: yes. Observed: 1 variant allele.
Comment: FN1: BP4, BP7

NM_212482.4(FN1):c.6576C>T (p.His2192=)

Gene: FN1 (fibronectin 1; minus strand). Cytogenetic location: 2q35.
Variant type: single nucleotide variant.
Coding change: c.6576C>T on transcript NM_212482.4 (MANE Select); coding-DNA position 6576, C replaced by T.
Protein change: p.His2192=; no amino-acid change (histidine 2192 retained).
Molecular consequence: synonymous variant. On other transcripts: intron variant (10).
Genome position (GRCh38, 1-based): chr2:215,372,047, G>A on the plus strand (C>T on the coding strand, the complement: FN1 is on the minus strand). VCF-style: chr2-215372047-G-A. GRCh37 (hg19) VCF-style: chr2-216236770-G-A.
Other names: c.6306C>T, p.His2102= (NM_001365517.2); c.6303C>T, p.His2101= (NM_001365518.2); c.6231C>T, p.His2077= (NM_001365519.2); c.6228C>T, p.His2076= (NM_001365520.2); c.5958C>T, p.His1986= (NM_001365523.2); c.6033C>T, p.His2011= (NM_212476.3); c.5705-32C>T (NM_212474.3); c.5897-32C>T (NM_001306132.2); and 8 more.
Identifiers: ClinVar variation 1583618 (VCV001583618.32), dbSNP rs367872890, ClinGen allele CA2093819.